The following is an entry in ClinVar:

NM_014336.5(AIPL1):c.299T>G (p.Leu100Arg)

Gene: AIPL1 (AIP like 1 HSP90 co-chaperone; minus strand). Cytogenetic location: 17p13.2.
Variant type: single nucleotide variant.
Coding change: c.299T>G on transcript NM_014336.5 (MANE Select); coding-DNA position 299, T replaced by G.
Protein change: p.Leu100Arg; replaces leucine 100 with arginine.
Molecular consequence: missense variant. On other transcripts: intron variant (1).
Genome position (GRCh38, 1-based): chr17:6,428,484, A>C on the plus strand (T>G on the coding strand, the complement: AIPL1 is on the minus strand). VCF-style: chr17-6428484-A-C. GRCh37 (hg19) VCF-style: chr17-6331804-A-C.
Other names: c.119T>G, p.Leu40Arg (NM_001033055.3); c.263T>G, p.Leu88Arg (NM_001285399.3); c.233T>G, p.Leu78Arg (NM_001285400.3); c.299T>G, p.Leu100Arg (NM_001285401.3, NM_001285403.4); c.182T>G, p.Leu61Arg (NM_001285402.2); c.277-1427T>G (NM_001033054.3); short protein forms L78R, L100R, L40R, L61R, L88R.
Identifiers: ClinVar variation 3721000 (VCV003721000.2).
Genomic context (GRCh38, chr17:6,428,484, plus strand): 5'-GTGTGCACGTGCCACTCTGTGGGGTCCTTGCCCTGGGCCATCTGCCTCAGGCTCCGGGAT[A>C]GGATGGGGTAGACCCCCGTGTGCTGTGGGGATAAACGGATGGATGGCATCCAGGCTACCT-3'
Protein context (NP_055151.3, residues 90-110): DTIHTGVYPI[Leu100Arg]SRSLRQMAQG

ClinVar aggregate classification (germline): Uncertain significance (1 of 4 stars; one submission).

Conditions:
Leber congenital amaurosis 4 (LCA4). Identifiers: MedGen C1858386, MONDO:0011458, OMIM 604393.

Submission:

Labcorp Genetics (formerly Invitae), Labcorp
Classification: Uncertain significance for Leber congenital amaurosis 4. Last evaluated: 2024-11-21. Review status: criteria provided, single submitter. Criteria: Invitae Variant Classification Sherloc (09022015). Collection method: clinical testing. Allele origin: germline.
Comment: This sequence change replaces leucine, which is neutral and non-polar, with arginine, which is basic and polar, at codon 100 of the AIPL1 protein (p.Leu100Arg). This variant is not present in population databases (gnomAD no frequency). This variant has not been reported in the literature in individuals affected with AIPL1-related conditions. Invitae Evidence Modeling of protein sequence and biophysical properties (such as structural, functional, and spatial information, amino acid conservation, physicochemical variation, residue mobility, and thermodynamic stability) has been performed for this missense variant. However, the output from this modeling did not meet the statistical confidence thresholds required to predict the impact of this variant on AIPL1 protein function. In summary, the available evidence is currently insufficient to determine the role of this variant in disease. Therefore, it has been classified as a Variant of Uncertain Significance.